The following is an entry in ClinVar:

NM_004453.4(ETFDH):c.1469-6_1469-4del

Gene: ETFDH (electron transfer flavoprotein dehydrogenase; plus strand). Cytogenetic location: 4q32.1.
Variant type: Microsatellite.
Coding change: c.1469-6_1469-4del on transcript NM_004453.4 (MANE Select); 6 bases into the intron before coding-DNA position 1469 through 4 bases into the intron before coding-DNA position 1469, 3 bases deleted (TTG; older notation c.1469-6_1469-4delTTG).
Molecular consequence: intron variant.
Genome position (GRCh38, 1-based): chr4:158,706,623-158,706,625, TTG deleted; deleting any 3 consecutive bases within chr4:158,706,620-158,706,625 gives the same sequence; the c. name uses the placement nearest the transcript's 3' end. VCF-style (leftmost placement, unchanged base first): chr4-158706619-ATTG-A. GRCh37 (hg19) VCF-style: chr4-159627771-ATTG-A.
Other names: c.1328-6_1328-4del (NM_001281737.2); c.1286-6_1286-4del (NM_001281738.1).
Identifiers: ClinVar variation 3051961 (VCV003051961.3), dbSNP rs773752784, ClinGen allele CA3122643.

ClinVar aggregate classification (germline): Likely benign. Review status: criteria provided, single submitter (1 of 4 stars). 2 submissions from 2 submitters: Likely benign (1). 1 of the submissions does not count toward it. Last evaluated 2025-11-12.

Conditions:
ETFDH-related disorder. Also called: ETFDH-related condition.
Multiple acyl-CoA dehydrogenase deficiency (MADD). Also called: Glutaric acidemia type II; GA 2; Glutaric aciduria, type 2; ETHYLMALONIC-ADIPICACIDURIA; GA II; Glutaric Acidemia type 2. Identifiers: Orphanet 26791, MedGen C0268596, MONDO:0009282, OMIM 231680.

Submissions (2):

Labcorp Genetics (formerly Invitae), Labcorp
Classification: Likely benign for Multiple acyl-CoA dehydrogenase deficiency. Last evaluated: 2025-11-12. Review status: criteria provided, single submitter. Criteria: Invitae Variant Classification Sherloc (09022015). Collection method: clinical testing. Allele origin: germline.

PreventionGenetics, part of Exact Sciences
Classification: Likely benign for ETFDH-related condition. Last evaluated: 2022-06-22. Review status: no assertion criteria provided. Collection method: clinical testing. Allele origin: germline. Not counted in ClinVar's aggregate classification.
Comment: This variant is classified as likely benign based on ACMG/AMP sequence variant interpretation guidelines (Richards et al. 2015 PMID: 25741868, with internal and published modifications).